The following is an entry in ClinVar:

NM_005618.4(DLL1):c.1730G>A (p.Arg577Gln)

Gene: DLL1 (delta like canonical Notch ligand 1; minus strand). Cytogenetic location: 6q27.
Variant type: single nucleotide variant.
Coding change: c.1730G>A on transcript NM_005618.4 (MANE Select); coding-DNA position 1730, G replaced by A.
Protein change: p.Arg577Gln; replaces arginine 577 with glutamine.
Molecular consequence: missense variant.
Genome position (GRCh38, 1-based): chr6:170,283,549, C>T on the plus strand (G>A on the coding strand, the complement: DLL1 is on the minus strand). VCF-style: chr6-170283549-C-T. GRCh37 (hg19) VCF-style: chr6-170592637-C-T.
Other names: short protein forms R577Q.
Identifiers: ClinVar variation 2420034 (VCV002420034.6), dbSNP rs752399003, ClinGen allele CA4106746.

ClinVar aggregate classification (germline): Uncertain significance (1 of 4 stars; one submission).

Allele frequency attached by ClinVar (database versions not stated): ExAC 0.00001; gnomAD 0.00001; TOPMed 0.00003.
gnomAD v4.1: 29 of 1,613,558 alleles (0.0018%); highest among the groups gnomAD compares: East Asian, 0.0022%; no homozygotes.

Submission:

Labcorp Genetics (formerly Invitae), Labcorp
Classification: Uncertain significance. Last evaluated: 2025-08-03. Review status: criteria provided, single submitter. Criteria: Invitae Variant Classification Sherloc (09022015). Collection method: clinical testing. Allele origin: germline.
Comment: This sequence change replaces arginine, which is basic and polar, with glutamine, which is neutral and polar, at codon 577 of the DLL1 protein (p.Arg577Gln). This variant is present in population databases (rs752399003, gnomAD 0.02%). This variant has not been reported in the literature in individuals affected with DLL1-related conditions. ClinVar contains an entry for this variant (Variation ID: 2420034). An algorithm developed to predict the effect of missense changes on protein structure and function outputs the following: PolyPhen-2: "Benign". The glutamine amino acid residue is found in multiple mammalian species, which suggests that this missense change does not adversely affect protein function. In summary, the available evidence is currently insufficient to determine the role of this variant in disease. Therefore, it has been classified as a Variant of Uncertain Significance.